The following is an entry in ClinVar:

ClinVar aggregate classification (germline): Likely benign. Review status: criteria provided, multiple submitters, no conflicts (2 of 4 stars). 13 submissions from 10 submitters: Likely benign (10). 3 of the submissions do not count toward it. Last evaluated 2026-01-22.

Conditions:
Basal laminar drusen. Also called: DRUSEN OF BRUCH MEMBRANE; DRUSEN, CUTICULAR; DRUSEN, EARLY ADULT-ONSET, GROUPED. Identifiers: Orphanet 75376, MedGen C0730295, MONDO:0007472, OMIM 126700.
Age related macular degeneration 4. Identifiers: MedGen C1853147, MONDO:0012540, OMIM 610698.
Factor H deficiency (CFHD). Also called: CFH DEFICIENCY; COMPLEMENT FACTOR H DEFICIENCY. Identifiers: Orphanet 200421, MedGen C0398777, MONDO:0012350, OMIM 609814.
Hemolytic uremic syndrome, atypical, susceptibility to, 1. Also called: AHUS, SUSCEPTIBILITY TO, 1. Identifiers: Orphanet 2134, Orphanet 90038, MedGen C2749604, MONDO:0009335, OMIM 235400. Disease mechanism: Other.

Allele frequency attached by ClinVar (database versions not stated): ExAC 0.00018; gnomAD 0.00038 and 0.00039; 1000 Genomes Project 0.00060; 1000 Genomes Project 30x 0.00141.
gnomAD v4.1: 171 of 1,510,664 alleles (0.011%); highest among the groups gnomAD compares: Middle Eastern, 0.14%; no homozygotes.

Submissions (13):

Women's Health and Genetics/Laboratory Corporation of America, LabCorp
Classification: Likely benign. Last evaluated: 2026-01-22. Review status: criteria provided, single submitter. Criteria: LabCorp Variant Classification Summary - May 2015. Collection method: clinical testing. Allele origin: germline.

Labcorp Genetics (formerly Invitae), Labcorp
Classification: Likely benign. Last evaluated: 2025-12-07. Review status: criteria provided, single submitter. Criteria: Invitae Variant Classification Sherloc (09022015). Collection method: clinical testing. Allele origin: germline.

CeGaT Center for Human Genetics Tuebingen
Classification: Likely benign. Last evaluated: 2025-05-01. Review status: criteria provided, single submitter. Criteria: CeGaT Center For Human Genetics Tuebingen Variant Classification Criteria Version 2. Collection method: clinical testing. Allele origin: germline. Affected: yes. Observed: 3 variant alleles.
Comment: CFH: BP4

Mayo Clinic Laboratories, Mayo Clinic
Classification: Likely benign. Last evaluated: 2024-10-15. Review status: criteria provided, single submitter. Criteria: ACMG Guidelines, 2015. Collection method: clinical testing. Allele origin: germline. Observed: 6 variant alleles.
Comment: BP4, BP7

Genome-Nilou Lab
Classification: Likely benign for Hemolytic uremic syndrome, atypical, susceptibility to, 1. Last evaluated: 2023-04-11. Review status: criteria provided, single submitter. Criteria: ACMG Guidelines, 2015. Collection method: clinical testing. Allele origin: germline. Affected: no.

Genome-Nilou Lab
Classification: Likely benign for Age related macular degeneration 4. Last evaluated: 2023-04-11. Review status: criteria provided, single submitter. Criteria: ACMG Guidelines, 2015. Collection method: clinical testing. Allele origin: germline. Affected: no.

Genome-Nilou Lab
Classification: Likely benign for Basal laminar drusen. Last evaluated: 2023-04-11. Review status: criteria provided, single submitter. Criteria: ACMG Guidelines, 2015. Collection method: clinical testing. Allele origin: germline. Affected: no.

Genome-Nilou Lab
Classification: Likely benign for Factor H deficiency. Last evaluated: 2023-04-11. Review status: criteria provided, single submitter. Criteria: ACMG Guidelines, 2015. Collection method: clinical testing. Allele origin: germline. Affected: no.

Fulgent Genetics
Classification: Likely benign for Basal laminar drusen; Hemolytic uremic syndrome, atypical, susceptibility to, 1; Factor H deficiency; Age related macular degeneration 4. Last evaluated: 2021-11-27. Review status: criteria provided, single submitter. Criteria: ACMG Guidelines, 2015. Collection method: clinical testing. Allele origin: unknown.

Breakthrough Genomics
Classification: Likely benign. Review status: criteria provided, single submitter. Criteria: ACMG Guidelines, 2015. Collection method: not provided. Allele origin: germline. Inheritance: Autosomal recessive inheritance. Affected: yes.

Clinical Genetics DNA and cytogenetics Diagnostics Lab, Erasmus MC, Erasmus Medical Center
Classification: Likely benign. Review status: no assertion criteria provided. Collection method: clinical testing. Allele origin: germline. Affected: yes. Study: VKGL Data-share Consensus. Not counted in ClinVar's aggregate classification.

Clinical Genetics, Academic Medical Center
Classification: Benign. Review status: no assertion criteria provided. Collection method: clinical testing. Allele origin: germline. Affected: yes. Study: VKGL Data-share Consensus. Not counted in ClinVar's aggregate classification.

Genome Diagnostics Laboratory, University Medical Center Utrecht
Classification: Likely benign. Review status: no assertion criteria provided. Collection method: clinical testing. Allele origin: germline. Affected: yes. Study: VKGL Data-share Consensus. Not counted in ClinVar's aggregate classification.

NM_000186.4(CFH):c.245-8C>T

Gene: CFH (complement factor H; plus strand). Cytogenetic location: 1q31.3.
Variant type: single nucleotide variant.
Coding change: c.245-8C>T on transcript NM_000186.4 (MANE Select); 8 bases into the intron before coding-DNA position 245, C replaced by T.
Molecular consequence: intron variant.
Genome position (GRCh38, 1-based): chr1:196,673,849, C>T. VCF-style: chr1-196673849-C-T. GRCh37 (hg19) VCF-style: chr1-196642979-C-T.
Other names: p.?; c.245-8C>T (NM_001014975.3).
Identifiers: ClinVar variation 710193 (VCV000710193.41), dbSNP rs537160602, ClinGen allele CA1304997.